The following is an entry in ClinVar:

ClinVar aggregate classification (germline): Likely pathogenic (1 of 4 stars; one submission).

Conditions:
Early-infantile DEE. Also called: Early infantile epileptic encephalopathy with suppression bursts; Early infantile epileptic encephalopathy; Ohtahara syndrome. Identifiers: Orphanet 1934, MedGen C0393706, MONDO:0800491.

Submission:

Labcorp Genetics (formerly Invitae), Labcorp
Classification: Likely pathogenic for Early-infantile DEE. Last evaluated: 2025-02-19. Review status: criteria provided, single submitter. Criteria: Invitae Variant Classification Sherloc (09022015). Collection method: clinical testing. Allele origin: germline.
Comment: This sequence change replaces proline, which is neutral and non-polar, with serine, which is neutral and polar, at codon 76 of the SCN1A protein (p.Pro76Ser). This variant is not present in population databases (gnomAD no frequency). This missense change has been observed in individual(s) with clinical features of SCN1A-related conditions (PMID: 29095814). ClinVar contains an entry for this variant (Variation ID: 650387). Invitae Evidence Modeling of protein sequence and biophysical properties (such as structural, functional, and spatial information, amino acid conservation, physicochemical variation, residue mobility, and thermodynamic stability) indicates that this missense variant is expected to disrupt SCN1A protein function with a positive predictive value of 95%. This variant disrupts the p.Pro76 amino acid residue in SCN1A. Other variant(s) that disrupt this residue have been determined to be pathogenic (PMID: 28012175, 35231114). This suggests that this residue is clinically significant, and that variants that disrupt this residue are likely to be disease-causing. In summary, the currently available evidence indicates that the variant is pathogenic, but additional data are needed to prove that conclusively. Therefore, this variant has been classified as Likely Pathogenic.

Literature cited by the submitters: PubMed 29095814; PubMed 28012175; PubMed 35231114.

NM_001165963.4(SCN1A):c.226C>T (p.Pro76Ser)

Gene: SCN1A (sodium voltage-gated channel alpha subunit 1; minus strand). Cytogenetic location: 2q24.3.
Variant type: single nucleotide variant.
Coding change: c.226C>T on transcript NM_001165963.4 (MANE Select); coding-DNA position 226, C replaced by T.
Protein change: p.Pro76Ser; replaces proline 76 with serine.
Molecular consequence: missense variant. On other transcripts: 5 prime UTR variant (1), non-coding transcript variant (1).
Genome position (GRCh38, 1-based): chr2:166,073,396, G>A on the plus strand (C>T on the coding strand, the complement: SCN1A is on the minus strand). VCF-style: chr2-166073396-G-A. GRCh37 (hg19) VCF-style: chr2-166929906-G-A.
Other names: c.226C>T, p.Pro76Ser (NM_001165964.3, NM_001202435.3, NM_001353948.2 and 10 more transcripts); c.-2200C>T (NM_001353961.2); short protein forms P76S.
Identifiers: ClinVar variation 650387 (VCV000650387.9), dbSNP rs1574371737, ClinGen allele CA349242740.